The following is an entry in ClinVar:

ClinVar aggregate classification (germline): Uncertain significance (1 of 4 stars; one submission).

Allele frequency attached by ClinVar (database versions not stated): gnomAD 0.00003; gnomAD exomes 0.00007; ExAC 0.00009.

Submission:

Mayo Clinic Laboratories, Mayo Clinic
Classification: Uncertain significance. Last evaluated: 2023-02-07. Review status: criteria provided, single submitter. Criteria: ACMG Guidelines, 2015. Collection method: clinical testing. Allele origin: germline. Observed: 1 variant allele.
Comment: PP4

NM_000374.5(UROD):c.304C>T (p.Pro102Ser)

Gene: UROD (uroporphyrinogen decarboxylase; plus strand). Cytogenetic location: 1p34.1.
Variant type: single nucleotide variant.
Coding change: c.304C>T on transcript NM_000374.5 (MANE Select); coding-DNA position 304, C replaced by T.
Protein change: p.Pro102Ser; replaces proline 102 with serine.
Molecular consequence: missense variant. On other transcripts: non-coding transcript variant (3).
Genome position (GRCh38, 1-based): chr1:45,013,621, C>T. VCF-style: chr1-45013621-C-T. GRCh37 (hg19) VCF-style: chr1-45479293-C-T.
Other names: p.Pro102Ser; short protein forms P102S.
Identifiers: ClinVar variation 2683713 (VCV002683713.1), dbSNP rs200130031, ClinGen allele CA825215.